The following is an entry in ClinVar:

NM_003982.4(SLC7A7):c.1405C>T (p.Pro469Ser)

Gene: SLC7A7 (solute carrier family 7 member 7; minus strand). Cytogenetic location: 14q11.2.
Variant type: single nucleotide variant.
Coding change: c.1405C>T on transcript NM_003982.4 (MANE Select); coding-DNA position 1405, C replaced by T.
Protein change: p.Pro469Ser; replaces proline 469 with serine.
Molecular consequence: missense variant.
Genome position (GRCh38, 1-based): chr14:22,773,957, G>A on the plus strand (C>T on the coding strand, the complement: SLC7A7 is on the minus strand). VCF-style: chr14-22773957-G-A. GRCh37 (hg19) VCF-style: chr14-23243166-G-A.
Other names: p.Pro469Ser; c.1405C>T, p.Pro469Ser (NM_001126105.3, NM_001126106.4); short protein forms P469S.
Identifiers: ClinVar variation 312810 (VCV000312810.15), dbSNP rs201550655, ClinGen allele CA7104401.
Genomic context (GRCh38, chr14:22,773,957, plus strand): 5'-GCAATAGCTGAGCGGACTTAAGGATGCACGGCTTACCCACGATCCTTCGGAGGTAAAGCG[G>A]TCGCTTATGTTCTGGCACTCTGATGATGAGGAAGTAAAAGGGCAGGCCTGAGAGGGCAAT-3'
Protein context (NP_003973.3, residues 459-479): LIIRVPEHKR[Pro469Ser]LYLRRIVGSA

ClinVar aggregate classification (germline): Uncertain significance. Review status: criteria provided, multiple submitters, no conflicts (2 of 4 stars). 6 submissions from 6 submitters: Uncertain significance (5). 1 of the submissions does not count toward it. Last evaluated 2023-04-06.

Conditions:
Lysinuric protein intolerance (LPI). Identifiers: Orphanet 470, MedGen C0268647, MONDO:0009109, OMIM 222700.
Inborn genetic diseases. Identifiers: MedGen C0950123, MeSH D030342.

Allele frequency attached by ClinVar (database versions not stated): TOPMed 0.00017; gnomAD 0.00019; gnomAD exomes 0.00029 and 0.00032; ExAC 0.00030; ESP Exome Variant Server 0.00046.
gnomAD v4.1: 507 of 1,614,068 alleles (0.031%); highest among the groups gnomAD compares: Non-Finnish European, 0.034%; 2 homozygotes.

Submissions (6):

Mayo Clinic Laboratories, Mayo Clinic
Classification: Uncertain significance. Last evaluated: 2023-04-06. Review status: criteria provided, single submitter. Criteria: ACMG Guidelines, 2015. Collection method: clinical testing. Allele origin: germline. Observed: 1 variant allele.

Labcorp Genetics (formerly Invitae), Labcorp
Classification: Uncertain significance for Lysinuric protein intolerance. Last evaluated: 2022-10-17. Review status: criteria provided, single submitter. Criteria: Invitae Variant Classification Sherloc (09022015). Collection method: clinical testing. Allele origin: germline.
Comment: This sequence change replaces proline, which is neutral and non-polar, with serine, which is neutral and polar, at codon 469 of the SLC7A7 protein (p.Pro469Ser). This variant is present in population databases (rs201550655, gnomAD 0.09%), including at least one homozygous and/or hemizygous individual. This variant has not been reported in the literature in individuals affected with SLC7A7-related conditions. ClinVar contains an entry for this variant (Variation ID: 312810). Algorithms developed to predict the effect of missense changes on protein structure and function are either unavailable or do not agree on the potential impact of this missense change (SIFT: "Tolerated"; PolyPhen-2: "Possibly Damaging"; Align-GVGD: "Class C0"). In summary, the available evidence is currently insufficient to determine the role of this variant in disease. Therefore, it has been classified as a Variant of Uncertain Significance.

Ambry Genetics
Classification: Uncertain significance for Inborn genetic diseases. Last evaluated: 2022-07-17. Review status: criteria provided, single submitter. Criteria: Ambry Variant Classification Scheme 2023. Collection method: clinical testing. Allele origin: germline.

Genome-Nilou Lab
Classification: Uncertain significance for Lysinuric protein intolerance. Last evaluated: 2021-11-07. Review status: criteria provided, single submitter. Criteria: ACMG Guidelines, 2015. Collection method: clinical testing. Allele origin: germline. Affected: no.

Illumina Laboratory Services, Illumina
Classification: Uncertain significance for Lysinuric protein intolerance. Last evaluated: 2018-01-13. Review status: criteria provided, single submitter. Criteria: ICSL Variant Classification Criteria 13 December 2019. Collection method: clinical testing. Allele origin: germline.

Natera, Inc.
Classification: Uncertain significance for Lysinuric protein intolerance. Last evaluated: 2021-03-05. Review status: no assertion criteria provided. Collection method: clinical testing. Allele origin: germline. Not counted in ClinVar's aggregate classification.